The following is an entry in ClinVar:

ClinVar aggregate classification (germline): Uncertain significance. Review status: criteria provided, multiple submitters, no conflicts (2 of 4 stars). 2 submissions from 2 submitters: Uncertain significance (2). Last evaluated 2025-09-13.

Conditions:
Cardiovascular phenotype. Identifiers: MedGen CN230736.
Dilated cardiomyopathy 1JJ (CMD1JJ). Identifiers: Orphanet 154, MedGen C3808935, MONDO:0014095, OMIM 615235.

Allele frequency attached by ClinVar (database versions not stated): TOPMed below 0.00001; gnomAD 0.00001.
gnomAD v4.1: 1 of 1,613,942 alleles (0.000062%); highest among the groups gnomAD compares: African/African-American, 0.0013%; no homozygotes.

Submissions (2):

Labcorp Genetics (formerly Invitae), Labcorp
Classification: Uncertain significance for Dilated cardiomyopathy 1JJ. Last evaluated: 2025-09-13. Review status: criteria provided, single submitter. Criteria: Invitae Variant Classification Sherloc (09022015). Collection method: clinical testing. Allele origin: germline.
Comment: This sequence change replaces leucine, which is neutral and non-polar, with serine, which is neutral and polar, at codon 848 of the LAMA4 protein (p.Leu848Ser). This variant is not present in population databases (gnomAD no frequency). This variant has not been reported in the literature in individuals affected with LAMA4-related conditions. ClinVar contains an entry for this variant (Variation ID: 1792856). An algorithm developed to predict the effect of missense changes on protein structure and function (PolyPhen-2) suggests that this variant is likely to be disruptive. In summary, the available evidence is currently insufficient to determine the role of this variant in disease. Therefore, it has been classified as a Variant of Uncertain Significance.

Ambry Genetics
Classification: Uncertain significance for Cardiovascular phenotype. Last evaluated: 2022-02-04. Review status: criteria provided, single submitter. Criteria: Ambry Variant Classification Scheme 2023. Collection method: clinical testing. Allele origin: germline.
Comment: The p.L848S variant (also known as c.2543T>C), located in coding exon 19 of the LAMA4 gene, results from a T to C substitution at nucleotide position 2543. The leucine at codon 848 is replaced by serine, an amino acid with dissimilar properties. This amino acid position is conserved. In addition, this alteration is predicted to be tolerated by in silico analysis. Since supporting evidence is limited at this time, the clinical significance of this alteration remains unclear.

NM_001105206.3(LAMA4):c.2564T>C (p.Leu855Ser)

Gene: LAMA4 (laminin subunit alpha 4; minus strand). Cytogenetic location: 6q21.
Variant type: single nucleotide variant.
Coding change: c.2564T>C on transcript NM_001105206.3 (MANE Select); coding-DNA position 2564, T replaced by C.
Protein change: p.Leu855Ser; replaces leucine 855 with serine.
Molecular consequence: missense variant.
Genome position (GRCh38, 1-based): chr6:112,142,222, A>G on the plus strand (T>C on the coding strand, the complement: LAMA4 is on the minus strand). VCF-style: chr6-112142222-A-G. GRCh37 (hg19) VCF-style: chr6-112463424-A-G.
Other names: c.2543T>C, p.Leu848Ser (NM_001105207.3, NM_002290.5); short protein forms L855S, L848S.
Identifiers: ClinVar variation 1792856 (VCV001792856.3), dbSNP rs1779740094, ClinGen allele CA365381985.